The following is an entry in ClinVar:

NM_001378969.1(KCND3):c.1794C>T (p.Asp598=)

Gene: KCND3 (potassium voltage-gated channel subfamily D member 3; minus strand). Cytogenetic location: 1p13.2.
Variant type: single nucleotide variant.
Coding change: c.1794C>T on transcript NM_001378969.1 (MANE Select); coding-DNA position 1794, C replaced by T.
Protein change: p.Asp598=; no amino-acid change (aspartic acid 598 retained).
Molecular consequence: synonymous variant.
Genome position (GRCh38, 1-based): chr1:111,776,251, G>A on the plus strand (C>T on the coding strand, the complement: KCND3 is on the minus strand). VCF-style: chr1-111776251-G-A. GRCh37 (hg19) VCF-style: chr1-112318873-G-A.
Other names: c.1737C>T, p.Asp579= (NM_001378970.1, NM_172198.3); c.1794C>T, p.Asp598= (NM_004980.5).
Identifiers: ClinVar variation 586064 (VCV000586064.16), dbSNP rs181971539, ClinGen allele CA1007339.

ClinVar aggregate classification (germline): Conflicting classifications of pathogenicity. Review status: criteria provided, conflicting classifications (1 of 4 stars). 5 submissions from 5 submitters: Uncertain significance (1); Benign (1); Likely benign (3). Last evaluated 2026-06-22.

Conditions:
Cardiovascular phenotype. Identifiers: MedGen CN230736.
Spinocerebellar ataxia type 19/22 (SCA19). Also called: SPINOCEREBELLAR ATAXIA 19; SPINOCEREBELLAR ATAXIA 22. Identifiers: Orphanet 98772, MedGen C1846367, MONDO:0011819, OMIM 607346.

Allele frequency attached by ClinVar (database versions not stated): gnomAD 0.00002 and 0.00004; gnomAD exomes 0.00002 and 0.00003; TOPMed 0.00002; ExAC 0.00005; 1000 Genomes Project 30x 0.00078; 1000 Genomes Project 0.00080.
gnomAD v4.1: 36 of 1,614,130 alleles (0.0022%); highest among the groups gnomAD compares: African/African-American, 0.0093%; no homozygotes.

Submissions (5):

Ambry Genetics
Classification: Uncertain significance for Cardiovascular phenotype. Last evaluated: 2026-06-22. Review status: criteria provided, single submitter. Criteria: Ambry Variant Classification Scheme 2023. Collection method: clinical testing. Allele origin: germline.
Comment: The c.1794C>T variant (also known as p.D598D), located in coding exon 7 of the KCND3 gene, results from a C to T substitution at nucleotide position 1794. This nucleotide substitution does not change the aspartic acid at codon 598. This nucleotide position is poorly conserved in available vertebrate species. In silico splice site analysis for this alteration is inconclusive. Based on data from gnomAD, the frequency for this variant is above the maximum credible frequency for a disease-causing variant in this gene based on internally established thresholds for KCND3-related spinocerebellar ataxia (Karczewski et al. Nature. 2020 May;581(7809):434-443; Whiffin et al. Genet Med. 2017 10;19:1151-1158). Based on the available evidence, the clinical significance of this variant remains unclear for Brugada syndrome; however, it is unlikely to be causative of KCND3-related spinocerebellar ataxia.

CeGaT Center for Human Genetics Tuebingen
Classification: Likely benign. Last evaluated: 2026-04-01. Review status: criteria provided, single submitter. Criteria: CeGaT Center For Human Genetics Tuebingen Variant Classification Criteria Version 2. Collection method: clinical testing. Allele origin: germline. Affected: yes. Observed: 1 variant allele.
Comment: KCND3: BP4, BP7

Labcorp Genetics (formerly Invitae), Labcorp
Classification: Likely benign for Spinocerebellar ataxia type 19/22. Last evaluated: 2025-10-29. Review status: criteria provided, single submitter. Criteria: Invitae Variant Classification Sherloc (09022015). Collection method: clinical testing. Allele origin: germline.

Blueprint Genetics
Classification: Likely benign. Last evaluated: 2024-08-26. Review status: criteria provided, single submitter. Criteria: ACMG Guidelines, 2015. Collection method: clinical testing. Allele origin: germline.

Athena Diagnostics
Classification: Benign. Last evaluated: 2017-09-14. Review status: criteria provided, single submitter. Criteria: Athena Diagnostics Criteria. Collection method: clinical testing. Allele origin: germline.